The following is an entry in ClinVar:

ClinVar aggregate classification (germline): Likely benign (0 of 4 stars; one submission).

Conditions:
UNC13A-related disorder. Also called: UNC13A-related condition.

Allele frequency attached by ClinVar (database versions not stated): ExAC 0.00019; gnomAD 0.00022; TOPMed 0.00028; ESP Exome Variant Server 0.00039; gnomAD exomes 0.00039.
gnomAD v4.1: 599 of 1,613,938 alleles (0.037%); highest among the groups gnomAD compares: Non-Finnish European, 0.045%; no homozygotes.

Submission:

PreventionGenetics, part of Exact Sciences
Classification: Likely benign for UNC13A-related condition. Last evaluated: 2023-06-15. Review status: no assertion criteria provided. Collection method: clinical testing. Allele origin: germline.
Comment: This variant is classified as likely benign based on ACMG/AMP sequence variant interpretation guidelines (Richards et al. 2015 PMID: 25741868, with internal and published modifications).

NM_001080421.3(UNC13A):c.3396C>T (p.Pro1132=)

Gene: UNC13A (unc-13 homolog A; minus strand). Cytogenetic location: 19p13.11.
Variant type: single nucleotide variant.
Coding change: c.3396C>T on transcript NM_001080421.3 (MANE Select); coding-DNA position 3396, C replaced by T.
Protein change: p.Pro1132=; no amino-acid change (proline 1132 retained).
Molecular consequence: synonymous variant.
Genome position (GRCh38, 1-based): chr19:17,632,814, G>A on the plus strand (C>T on the coding strand, the complement: UNC13A is on the minus strand). VCF-style: chr19-17632814-G-A. GRCh37 (hg19) VCF-style: chr19-17743623-G-A.
Other names: c.3390C>T, p.Pro1130= (NM_001387021.1, NM_001387022.1, NM_001387023.1).
Identifiers: ClinVar variation 3054303 (VCV003054303.2), dbSNP rs369226370, ClinGen allele CA9298008.